The following is an entry in ClinVar:

ClinVar aggregate classification (germline): Benign. Review status: criteria provided, multiple submitters, no conflicts (2 of 4 stars). 4 submissions from 4 submitters: Benign (4). Last evaluated 2026-02-04.

Allele frequency attached by ClinVar (database versions not stated): 1000 Genomes Project 30x 0.67052; 1000 Genomes Project 0.67212; gnomAD 0.73049 and 0.73342; ESP Exome Variant Server 0.74354; TOPMed 0.70626; gnomAD exomes 0.76060; ExAC 0.77075.
gnomAD v4.1: 1,321,150 of 1,599,706 alleles (83%); highest among the groups gnomAD compares: Non-Finnish European, 87%; 555,088 homozygotes.

Submissions (4):

Labcorp Genetics (formerly Invitae), Labcorp
Classification: Benign. Last evaluated: 2026-02-04. Review status: criteria provided, single submitter. Criteria: Invitae Variant Classification Sherloc (09022015). Collection method: clinical testing. Allele origin: germline.

Unidad de Genómica Garrahan, Hospital de Pediatría Garrahan
Classification: Benign. Last evaluated: 2024-01-24. Review status: criteria provided, single submitter. Criteria: ACMG Guidelines, 2015. Collection method: clinical testing. Allele origin: germline. Affected: no. Observed: 80 variant alleles.
Comment: This variant is classified as Benign based on local population frequency. This variant was detected in 91% of patients studied by a panel of primary immunodeficiencies. Number of patients: 80. Only high quality variants are reported.

Mayo Clinic Laboratories, Mayo Clinic
Classification: Benign. Last evaluated: 2022-09-06. Review status: criteria provided, single submitter. Criteria: ACMG Guidelines, 2015. Collection method: clinical testing. Allele origin: germline. Observed: 99 variant alleles.

Breakthrough Genomics
Classification: Benign. Review status: criteria provided, single submitter. Criteria: ACMG Guidelines, 2015. Collection method: not provided. Allele origin: germline. Inheritance: Unknown mechanism. Affected: yes.

NM_001253697.2(ERBIN):c.565C>T (p.Leu189=)

Gene: ERBIN (erbb2 interacting protein; plus strand). Cytogenetic location: 5q12.3.
Variant type: single nucleotide variant.
Coding change: c.565C>T on transcript NM_001253697.2 (MANE Select); coding-DNA position 565, C replaced by T.
Protein change: p.Leu189=; no amino-acid change (leucine 189 retained).
Molecular consequence: synonymous variant.
Genome position (GRCh38, 1-based): chr5:66,021,353, C>T. VCF-style: chr5-66021353-C-T. GRCh37 (hg19) VCF-style: chr5-65317181-C-T.
Other names: p.Leu189=; c.565C>T, p.Leu189= (NM_001006600.3, NM_001253698.2, NM_001253699.2 and 2 more transcripts).
Identifiers: ClinVar variation 1169278 (VCV001169278.13), dbSNP rs706679, ClinGen allele CA3285970.